The following is an entry in ClinVar:

NM_001349253.2(SCN11A):c.409G>A (p.Gly137Ser)

Gene: SCN11A (sodium voltage-gated channel alpha subunit 11; minus strand). Cytogenetic location: 3p22.2.
Variant type: single nucleotide variant.
Coding change: c.409G>A on transcript NM_001349253.2 (MANE Select); coding-DNA position 409, G replaced by A.
Protein change: p.Gly137Ser; replaces glycine 137 with serine.
Molecular consequence: missense variant.
Genome position (GRCh38, 1-based): chr3:38,945,490, C>T on the plus strand (G>A on the coding strand, the complement: SCN11A is on the minus strand). VCF-style: chr3-38945490-C-T. GRCh37 (hg19) VCF-style: chr3-38986981-C-T.
Other names: c.409G>A, p.Gly137Ser (NM_014139.3); c.409G>A (NM_014139.2); short protein forms G137S.
Identifiers: ClinVar variation 2949788 (VCV002949788.7), dbSNP rs1406348004, ClinGen allele CA352175409.

ClinVar aggregate classification (germline): Conflicting classifications of pathogenicity. Review status: criteria provided, conflicting classifications (1 of 4 stars). 4 submissions from 4 submitters: Uncertain significance (3); Likely benign (1). Last evaluated 2026-05-29.

Conditions:
Hereditary sensory and autonomic neuropathy type 7. Also called: Neuropathy, hereditary sensory and autonomic, type VII; HSAN VII. Identifiers: Orphanet 391397, MedGen C3809882, MONDO:0014244, OMIM 615548.
Familial episodic pain syndrome with predominantly lower limb involvement. Also called: Episodic pain syndrome, familial, 3. Identifiers: Orphanet 391384, Orphanet 391392, MedGen C3809899, MONDO:0014247, OMIM 615552.
Inborn genetic diseases. Identifiers: MedGen C0950123, MeSH D030342.

gnomAD v4.1: 11 of 1,582,772 alleles (0.00069%); highest among the groups gnomAD compares: Admixed American, 0.01%; no homozygotes.

Submissions (4):

Women's Health and Genetics/Laboratory Corporation of America, LabCorp
Classification: Uncertain significance. Last evaluated: 2026-05-29. Review status: criteria provided, single submitter. Criteria: LabCorp Variant Classification Summary - May 2015. Collection method: clinical testing. Allele origin: germline.
Comment: Variant summary: SCN11A c.409G>A (p.Gly137Ser) results in a non-conservative amino acid change in the encoded protein sequence. Algorithms developed to predict the effect of missense changes on protein structure and function are either unavailable or do not agree on the potential impact of this missense change. The variant allele was found at a frequency of 1.7e-05 in 237192 control chromosomes. The available data on variant occurrences in the general population are insufficient to allow any conclusion about variant significance. To our knowledge, no occurrence of c.409G>A in individuals affected with SCN11A-related conditions and no experimental evidence demonstrating its impact on protein function have been reported. ClinVar contains an entry for this variant (Variation ID: 2949788). Based on the evidence outlined above, the variant was classified as uncertain significance.

CeGaT Center for Human Genetics Tuebingen
Classification: Uncertain significance. Last evaluated: 2026-04-01. Review status: criteria provided, single submitter. Criteria: CeGaT Center For Human Genetics Tuebingen Variant Classification Criteria Version 2. Collection method: clinical testing. Allele origin: germline. Affected: yes. Observed: 1 variant allele.

Ambry Genetics
Classification: Likely benign for Inborn genetic diseases. Last evaluated: 2025-05-17. Review status: criteria provided, single submitter. Criteria: Ambry Variant Classification Scheme 2023. Collection method: clinical testing. Allele origin: germline.

Labcorp Genetics (formerly Invitae), Labcorp
Classification: Uncertain significance for Familial episodic pain syndrome with predominantly lower limb involvement; Hereditary sensory and autonomic neuropathy type 7. Last evaluated: 2024-09-04. Review status: criteria provided, single submitter. Criteria: Invitae Variant Classification Sherloc (09022015). Collection method: clinical testing. Allele origin: germline.
Comment: This sequence change replaces glycine, which is neutral and non-polar, with serine, which is neutral and polar, at codon 137 of the SCN11A protein (p.Gly137Ser). This variant is present in population databases (no rsID available, gnomAD 0.01%). This variant has not been reported in the literature in individuals affected with SCN11A-related conditions. Invitae Evidence Modeling of protein sequence and biophysical properties (such as structural, functional, and spatial information, amino acid conservation, physicochemical variation, residue mobility, and thermodynamic stability) indicates that this missense variant is not expected to disrupt SCN11A protein function with a negative predictive value of 80%. In summary, the available evidence is currently insufficient to determine the role of this variant in disease. Therefore, it has been classified as a Variant of Uncertain Significance.